The following is an entry in ClinVar:

NM_006302.3(MOGS):c.2509T>C (p.Tyr837His)

Gene: MOGS (mannosyl-oligosaccharide glucosidase; minus strand). Cytogenetic location: 2p13.1.
Variant type: single nucleotide variant.
Coding change: c.2509T>C on transcript NM_006302.3 (MANE Select); coding-DNA position 2509, T replaced by C.
Protein change: p.Tyr837His; replaces tyrosine 837 with histidine.
Molecular consequence: missense variant.
Genome position (GRCh38, 1-based): chr2:74,461,280, A>G on the plus strand (T>C on the coding strand, the complement: MOGS is on the minus strand). VCF-style: chr2-74461280-A-G. GRCh37 (hg19) VCF-style: chr2-74688407-A-G.
Other names: c.2191T>C, p.Tyr731His (NM_001146158.2); short protein forms Y731H, Y837H.
Identifiers: ClinVar variation 1505413 (VCV001505413.7), dbSNP rs3191651, ClinGen allele CA1724565.

ClinVar aggregate classification (germline): Uncertain significance (1 of 4 stars; one submission).

Conditions:
MOGS-congenital disorder of glycosylation. Also called: MOGS-CDG; GLUCOSIDASE I DEFICIENCY; CDG IIb; CDG 2B. Identifiers: Orphanet 79330, MedGen C1853736, MONDO:0011629, OMIM 606056.

Allele frequency attached by ClinVar (database versions not stated): ExAC 0.00001; gnomAD 0.00001; gnomAD exomes 0.00001 and 0.00002.

Submission:

Labcorp Genetics (formerly Invitae), Labcorp
Classification: Uncertain significance for MOGS-congenital disorder of glycosylation. Last evaluated: 2023-07-07. Review status: criteria provided, single submitter. Criteria: Invitae Variant Classification Sherloc (09022015). Collection method: clinical testing. Allele origin: germline.
Comment: ClinVar contains an entry for this variant (Variation ID: 1505413). In summary, the available evidence is currently insufficient to determine the role of this variant in disease. Therefore, it has been classified as a Variant of Uncertain Significance. An algorithm developed to predict the effect of missense changes on protein structure and function (PolyPhen-2) suggests that this variant is likely to be disruptive. This variant has not been reported in the literature in individuals affected with MOGS-related conditions. This variant is present in population databases (rs3191651, gnomAD 0.003%). This sequence change replaces tyrosine, which is neutral and polar, with histidine, which is basic and polar, at codon 837 of the MOGS protein (p.Tyr837His).